The following is an entry in ClinVar:

ClinVar aggregate classification (germline): Uncertain significance. Review status: criteria provided, multiple submitters, no conflicts (2 of 4 stars). 2 submissions from 2 submitters: Uncertain significance (2). Last evaluated 2022-06-25.

Allele frequency attached by ClinVar (database versions not stated): gnomAD exomes below 0.00001 and 0.00002; ExAC 0.00001.
gnomAD v4.1: 8 of 1,609,988 alleles (0.0005%); highest among the groups gnomAD compares: Non-Finnish European, 0.00034%; no homozygotes.

Submissions (2):

Labcorp Genetics (formerly Invitae), Labcorp
Classification: Uncertain significance. Last evaluated: 2022-06-25. Review status: criteria provided, single submitter. Criteria: Invitae Variant Classification Sherloc (09022015). Collection method: clinical testing. Allele origin: germline.
Comment: This sequence change replaces glutamic acid, which is acidic and polar, with aspartic acid, which is acidic and polar, at codon 404 of the GPAA1 protein (p.Glu404Asp). This variant is present in population databases (rs782441091, gnomAD 0.002%). This variant has not been reported in the literature in individuals affected with GPAA1-related conditions. Algorithms developed to predict the effect of missense changes on protein structure and function (SIFT, PolyPhen-2, Align-GVGD) all suggest that this variant is likely to be tolerated. In summary, the available evidence is currently insufficient to determine the role of this variant in disease. Therefore, it has been classified as a Variant of Uncertain Significance.

Breakthrough Genomics
Classification: Uncertain significance. Review status: criteria provided, single submitter. Criteria: ACMG Guidelines, 2015. Collection method: not provided. Allele origin: germline. Inheritance: Autosomal recessive inheritance. Affected: yes.

NM_003801.4(GPAA1):c.1212G>T (p.Glu404Asp)

Gene: GPAA1 (glycosylphosphatidylinositol anchor attachment 1; plus strand). Cytogenetic location: 8q24.3.
Variant type: single nucleotide variant.
Coding change: c.1212G>T on transcript NM_003801.4 (MANE Select); coding-DNA position 1212, G replaced by T.
Protein change: p.Glu404Asp; replaces glutamic acid 404 with aspartic acid.
Molecular consequence: missense variant.
Genome position (GRCh38, 1-based): chr8:144,085,090, G>T. VCF-style: chr8-144085090-G-T. GRCh37 (hg19) VCF-style: chr8-145139993-G-T.
Other names: short protein forms E404D.
Identifiers: ClinVar variation 1507823 (VCV001507823.8), dbSNP rs782441091, ClinGen allele CA4933093.